The following is an entry in ClinVar:

NM_005866.4(SIGMAR1):c.391G>A (p.Gly131Ser)

Gene: SIGMAR1 (sigma non-opioid intracellular receptor 1; minus strand). Cytogenetic location: 9p13.3.
Variant type: single nucleotide variant.
Coding change: c.391G>A on transcript NM_005866.4 (MANE Select); coding-DNA position 391, G replaced by A.
Protein change: p.Gly131Ser; replaces glycine 131 with serine.
Molecular consequence: missense variant. On other transcripts: synonymous variant (1), non-coding transcript variant (1), intron variant (2).
Genome position (GRCh38, 1-based): chr9:34,637,051, C>T on the plus strand (G>A on the coding strand, the complement: SIGMAR1 is on the minus strand). VCF-style: chr9-34637051-C-T. GRCh37 (hg19) VCF-style: chr9-34637048-C-T.
Other names: c.391G>A, p.Gly131Ser (NM_001282205.2); c.91G>A, p.Gly31Ser (NM_001282206.2); c.331G>A, p.Gly111Ser (NM_001282207.2); c.414G>A, p.Leu138= (NM_001282208.2); c.305+216G>A (NM_001282209.2); c.352+169G>A (NM_147157.3); short protein forms G131S, G31S, G111S.
Identifiers: ClinVar variation 2585560 (VCV002585560.1), dbSNP rs899889153, ClinGen allele CA192661992.

ClinVar aggregate classification (germline): Uncertain significance (1 of 4 stars; one submission).

Conditions:
Autosomal recessive distal spinal muscular atrophy 2. Also called: NEUROPATHY, DISTAL HEREDITARY MOTOR, AUTOSOMAL RECESSIVE 2; NEURONOPATHY, DISTAL HEREDITARY MOTOR, JERASH TYPE; NEUROPATHY, DISTAL HEREDITARY MOTOR, JERASH TYPE; SPINAL MUSCULAR ATROPHY, JERASH TYPE; Hereditary motor neuropathy, Jerash type; Motor neuropathy, distal, Jerash type. Identifiers: Orphanet 139552, MedGen C1854023, MONDO:0011585, OMIM 605726.

Submission:

Neuberg Centre For Genomic Medicine, NCGM
Classification: Uncertain significance for Autosomal recessive distal spinal muscular atrophy 2. Review status: criteria provided, single submitter. Criteria: ACMG Guidelines, 2015. Collection method: clinical testing. Allele origin: germline. Inheritance: Autosomal recessive inheritance. Affected: yes.
Comment: The missense variant c.391G>A (p.Gly131Ser) in SIGMAR1 gene has not been reported previously as a pathogenic variant nor as a benign variant, to our knowledge. The p.Gly131Ser variant is novel (not in any individuals) in gnomAD Exomes and 1000 Genomes. The amino acid Gly at position 131 is changed to a Ser changing protein sequence and it might alter its composition and physico-chemical properties. The amino acid change p.Gly131Ser in SIGMAR1 is predicted as conserved by GERP++ and PhyloP across 100 vertebrates. For these reasons, this variant has been classified as Uncertain Significance .